The following is an entry in ClinVar:

NM_005609.4(PYGM):c.2380-1G>A

Gene: PYGM (glycogen phosphorylase, muscle associated; minus strand). Cytogenetic location: 11q13.1.
Variant type: single nucleotide variant.
Coding change: c.2380-1G>A on transcript NM_005609.4 (MANE Select); the canonical splice acceptor site of the intron before coding-DNA position 2380, G replaced by A.
Molecular consequence: splice acceptor variant.
Genome position (GRCh38, 1-based): chr11:64,746,809, C>T on the plus strand (G>A on the coding strand, the complement: PYGM is on the minus strand). VCF-style: chr11-64746809-C-T. GRCh37 (hg19) VCF-style: chr11-64514281-C-T.
Other names: c.2116-1G>A (NM_001164716.1).
Identifiers: ClinVar variation 553507 (VCV000553507.11), dbSNP rs1555133248, ClinGen allele CA381164021.

ClinVar aggregate classification (germline): Pathogenic/Likely pathogenic. Review status: criteria provided, multiple submitters, no conflicts (2 of 4 stars). 7 submissions from 7 submitters: Pathogenic (1); Likely pathogenic (5). 1 of the submissions does not count toward it. Last evaluated 2025-07-20.

Conditions:
Glycogen storage disease, type V (GSD5). Also called: MCARDLE DISEASE; MUSCLE GLYCOGEN PHOSPHORYLASE DEFICIENCY; MYOPHOSPHORYLASE DEFICIENCY; PYGM DEFICIENCY; McArdle type glycogen storage disease. Identifiers: Orphanet 368, MedGen C0017924, MONDO:0009293, OMIM 232600.

Allele frequency attached by ClinVar (database versions not stated): gnomAD exomes below 0.00001.
gnomAD v4.1: 2 of 1,614,190 alleles (0.00012%); highest among the groups gnomAD compares: Non-Finnish European, 0.00017%; no homozygotes.

Submissions (7):

Labcorp Genetics (formerly Invitae), Labcorp
Classification: Likely pathogenic for Glycogen storage disease, type V. Last evaluated: 2025-07-20. Review status: criteria provided, single submitter. Criteria: Invitae Variant Classification Sherloc (09022015). Collection method: clinical testing. Allele origin: germline.
Comment: This sequence change affects an acceptor splice site in intron 19 of the PYGM gene. While this variant is not anticipated to result in nonsense mediated decay, it likely alters RNA splicing and results in a disrupted protein product. This variant is not present in population databases (gnomAD no frequency). Disruption of this splice site has been observed in individual(s) with McArdle disease (PMID: 16786513, 29143597, 30415384). ClinVar contains an entry for this variant (Variation ID: 553507). Variants that disrupt the consensus splice site are a relatively common cause of aberrant splicing (PMID: 17576681, 9536098). Algorithms developed to predict the effect of sequence changes on RNA splicing suggest that this variant may disrupt the consensus splice site. In summary, the currently available evidence indicates that the variant is pathogenic, but additional data are needed to prove that conclusively. Therefore, this variant has been classified as Likely Pathogenic.

Myriad Genetics, Inc.
Classification: Likely pathogenic for Glycogen storage disease, type V. Last evaluated: 2025-02-10. Review status: criteria provided, single submitter. Criteria: Myriad Autosomal Dominant, Autosomal Recessive and X-Linked Classification Criteria (2023). Collection method: clinical testing. Allele origin: unknown.
Comment: NM_005609.2(PYGM):c.2380-1G>A is a variant in a canonical splice site classified as likely pathogenic in the context of glycogen storage disease, PYGM-related. c.2380-1G>A has been observed in cases with relevant disease (PMID: 16786513,22250184, 30415384). Relevant functional assessments of this variant are not available in the literature. c.2380-1G>A has not been observed in referenced population frequency databases. In summary, NM_005609.2(PYGM):c.2380-1G>A is a variant in a canonical splice site that has been observed more frequently in cases with the relevant disease than in healthy populations. Please note: this variant was assessed in the context of healthy population screening.

Revvity Omics, Revvity
Classification: Likely pathogenic for Glycogen storage disease, type V. Last evaluated: 2024-09-23. Review status: criteria provided, single submitter. Criteria: ACMG Guidelines, 2015. Collection method: clinical testing. Allele origin: germline.

Fulgent Genetics
Classification: Likely pathogenic for Glycogen storage disease, type V. Last evaluated: 2024-06-19. Review status: criteria provided, single submitter. Criteria: ACMG Guidelines, 2015. Collection method: clinical testing. Allele origin: germline.

Baylor Genetics
Classification: Pathogenic for Glycogen storage disease, type V. Last evaluated: 2024-01-01. Review status: criteria provided, single submitter. Criteria: ACMG Guidelines, 2015. Collection method: clinical testing. Allele origin: unknown.

GeneDx
Classification: Likely pathogenic. Last evaluated: 2021-10-19. Review status: criteria provided, single submitter. Criteria: GeneDx Variant Classification Process June 2021. Collection method: clinical testing. Allele origin: germline. Affected: yes.
Comment: Although cDNA studies in the previously reported homozygous individual identified an apparently homozygous deletion of exon 17 in the mRNA, in second patient who does not have this variant, cDNA study also identified the same cDNA with deletion of exon 17 (heterozygous) indicating that this cDNA might be not a result of c.2380-1G>A (Bruno et al., 2006); Previously reported in an individual with McArdle disease who harbored a second pathogenic variant in the PYMG gene, however segregation studies were not reported (Lucia et al., 2012); Canonical splice site variant expected to result in aberrant splicing, although in the absence of functional evidence the actual effect of this sequence change is unknown.; Not observed at significant frequency in large population cohorts (Lek et al., 2016); Deletions involving coding exons of this gene are a known mechanism of disease (Stenson et al., 2014); This variant is associated with the following publications: (PMID: 30415384, 16786513, 22250184, 29143597)

Counsyl
Classification: Pathogenic for Glycogen storage disease, type V. Last evaluated: 2017-08-22. Review status: no assertion criteria provided. Collection method: clinical testing. Allele origin: unknown. Not counted in ClinVar's aggregate classification.

Literature cited by the submitters: PubMed 16786513 (cited by 3 submitters); PubMed 29143597 (cited by Labcorp Genetics (formerly Invitae), Labcorp); PubMed 30415384 (cited by Labcorp Genetics (formerly Invitae), Labcorp and Myriad Genetics, Inc.); PubMed 17576681 (cited by Labcorp Genetics (formerly Invitae), Labcorp); PubMed 9536098 (cited by Labcorp Genetics (formerly Invitae), Labcorp); PubMed 22250184 (cited by Myriad Genetics, Inc. and Counsyl).